The following is an entry in ClinVar:

ClinVar aggregate classification (germline): Pathogenic (1 of 4 stars; one submission).

Conditions:
Cernunnos-XLF deficiency (IMD124). Also called: SCID, AUTOSOMAL RECESSIVE, T CELL-NEGATIVE, B CELL-NEGATIVE, NK CELL-POSITIVE, WITH MICROCEPHALY, GROWTH RETARDATION, AND SENSITIVITY TO IONIZING RADIATION; Severe combined immunodeficiency with sensitivity to ionizing radiation due to NHEJ1 deficiency; SCID, autosomal recessive, T cell-negative, B cell-negative, NK cell-positive, and sensitivity to ionizing radiation due to NHEJ1 deficiency; IMMUNODEFICIENCY 124, SEVERE COMBINED; NHEJ1 SYNDROME. Identifiers: Orphanet 169079, MedGen C1969799, MONDO:0012650, OMIM 611291.

Allele frequency attached by ClinVar (database versions not stated): gnomAD exomes below 0.00001.
gnomAD v4.1: 1 of 1,614,172 alleles (0.000062%); highest among the groups gnomAD compares: Non-Finnish European, 0.000085%; no homozygotes.

Submission:

Labcorp Genetics (formerly Invitae), Labcorp
Classification: Pathogenic for Cernunnos-XLF deficiency. Last evaluated: 2022-09-14. Review status: criteria provided, single submitter. Criteria: Invitae Variant Classification Sherloc (09022015). Collection method: clinical testing. Allele origin: germline.
Comment: This sequence change creates a premature translational stop signal (p.Gln32*) in the NHEJ1 gene. It is expected to result in an absent or disrupted protein product. Loss-of-function variants in NHEJ1 are known to be pathogenic (PMID: 16439204, 20597108). This variant is not present in population databases (gnomAD no frequency). This variant has not been reported in the literature in individuals affected with NHEJ1-related conditions. Algorithms developed to predict the effect of sequence changes on RNA splicing suggest that this variant may create or strengthen a splice site. For these reasons, this variant has been classified as Pathogenic.

Literature cited by the submitters: PubMed 16439204; PubMed 20597108.

NM_024782.3(NHEJ1):c.94C>T (p.Gln32Ter)

Gene: NHEJ1 (non-homologous end joining factor 1; minus strand). Cytogenetic location: 2q35.
Variant type: single nucleotide variant.
Coding change: c.94C>T on transcript NM_024782.3 (MANE Select); coding-DNA position 94, C replaced by T.
Protein change: p.Gln32Ter; replaces glutamine 32 with a stop codon.
Molecular consequence: nonsense. On other transcripts: non-coding transcript variant (1).
Genome position (GRCh38, 1-based): chr2:219,158,269, G>A on the plus strand (C>T on the coding strand, the complement: NHEJ1 is on the minus strand). VCF-style: chr2-219158269-G-A. GRCh37 (hg19) VCF-style: chr2-220022991-G-A.
Other names: c.94C>T, p.Gln32Ter (NM_001377498.1, NM_001377499.1); short protein forms Q32*.
Identifiers: ClinVar variation 2030418 (VCV002030418.4), dbSNP rs2469678006, ClinGen allele CA350634431.